The following is an entry in ClinVar:

NM_001025616.3(ARHGAP24):c.2156A>G (p.Gln719Arg)

Gene: ARHGAP24 (Rho GTPase activating protein 24; plus strand). Cytogenetic location: 4q21.3.
Variant type: single nucleotide variant.
Coding change: c.2156A>G on transcript NM_001025616.3 (MANE Select); coding-DNA position 2156, A replaced by G.
Protein change: p.Gln719Arg; replaces glutamine 719 with arginine.
Molecular consequence: missense variant.
Genome position (GRCh38, 1-based): chr4:86,000,631, A>G. VCF-style: chr4-86000631-A-G. GRCh37 (hg19) VCF-style: chr4-86921784-A-G.
Other names: c.1871A>G, p.Gln624Arg (NM_001042669.2); c.1901A>G, p.Gln634Arg (NM_001287805.2); c.1577A>G, p.Gln526Arg (NM_001346093.2); c.1877A>G, p.Gln626Arg (NM_031305.3); short protein forms Q624R, Q626R, Q634R, Q526R, Q719R.
Identifiers: ClinVar variation 3669302 (VCV003669302.2).

ClinVar aggregate classification (germline): Uncertain significance (1 of 4 stars; one submission).

gnomAD v4.1: 1 of 1,614,138 alleles (0.000062%); highest among the groups gnomAD compares: South Asian, 0.0011%; no homozygotes.

Submission:

Labcorp Genetics (formerly Invitae), Labcorp
Classification: Uncertain significance. Last evaluated: 2024-02-16. Review status: criteria provided, single submitter. Criteria: Invitae Variant Classification Sherloc (09022015). Collection method: clinical testing. Allele origin: germline.
Comment: This sequence change replaces glutamine, which is neutral and polar, with arginine, which is basic and polar, at codon 719 of the ARHGAP24 protein (p.Gln719Arg). This variant is present in population databases (rs771886093, gnomAD 0.006%). This variant has not been reported in the literature in individuals affected with ARHGAP24-related conditions. An algorithm developed to predict the effect of missense changes on protein structure and function (PolyPhen-2) suggests that this variant is likely to be disruptive. In summary, the available evidence is currently insufficient to determine the role of this variant in disease. Therefore, it has been classified as a Variant of Uncertain Significance.